The following is an entry in ClinVar:

NM_007194.4(CHEK2):c.*9G>C

Gene: CHEK2 (checkpoint kinase 2; minus strand). Cytogenetic location: 22q12.1.
Variant type: single nucleotide variant.
Coding change: c.*9G>C on transcript NM_007194.4 (MANE Select); 9 bases downstream of the stop codon, G replaced by C.
Molecular consequence: 3 prime UTR variant.
Genome position (GRCh38, 1-based): chr22:28,687,888, C>G on the plus strand (G>C on the coding strand, the complement: CHEK2 is on the minus strand). VCF-style: chr22-28687888-C-G. GRCh37 (hg19) VCF-style: chr22-29083876-C-G.
Other names: c.*9G>C (NM_001005735.3, NM_001257387.3, NM_001349956.3 and 1 more transcripts).
Identifiers: ClinVar variation 3772905 (VCV003772905.1).
Genomic context (GRCh38, chr22:28,687,888, plus strand): 5'-CAGACTCAAAGAAAAGAAAGATGACAGAGTGAAAGAAGGTACATTTCTTTCGTGTTCAAA[C>G]CACGGAGTTCACAACACAGCAGCACACACAGCTGGGCGCTTTGTGGTCTCGGCACCCTCG-3'

ClinVar aggregate classification (germline): Benign (1 of 4 stars; one submission).

Conditions:
Familial cancer of breast. Also called: Hereditary breast cancer; BREAST CANCER, FAMILIAL; hereditary breast carcinoma. Identifiers: Orphanet 227535, MedGen C0346153, MONDO:0016419, OMIM 114480. Disease mechanism: loss of function.

Submission:

Myriad Genetics, Inc.
Classification: Benign for Familial cancer of breast. Last evaluated: 2024-10-09. Review status: criteria provided, single submitter. Criteria: Myriad Autosomal Dominant, Autosomal Recessive and X-Linked Classification Criteria (2023). Collection method: clinical testing. Allele origin: unknown.
Comment: This variant is considered benign. This variant occurs in the non-coding 3' untranslated region of the gene, and is not expected to impact protein function.